The following is an entry in ClinVar:

ClinVar aggregate classification (germline): Uncertain significance. Review status: criteria provided, single submitter (1 of 4 stars). 2 submissions from 2 submitters: Uncertain significance (1). 1 of the submissions does not count toward it. Last evaluated 2025-08-22.

Conditions:
YTHDC2-related disorder. Also called: YTHDC2-related condition.

Allele frequency attached by ClinVar (database versions not stated): gnomAD exomes 0.00022; gnomAD 0.00028; ExAC 0.00037; TOPMed 0.00051; 1000 Genomes Project 0.00100; 1000 Genomes Project 30x 0.00109.
gnomAD v4.1: 367 of 1,613,316 alleles (0.023%); highest among the groups gnomAD compares: Admixed American, 0.27%; no homozygotes.

Submissions (2):

Ambry Genetics
Classification: Uncertain significance. Last evaluated: 2025-08-22. Review status: criteria provided, single submitter. Criteria: Ambry Variant Classification Scheme 2023. Collection method: clinical testing. Allele origin: germline.

PreventionGenetics, part of Exact Sciences
Classification: Likely benign for YTHDC2-related condition. Last evaluated: 2023-05-22. Review status: no assertion criteria provided. Collection method: clinical testing. Allele origin: germline. Not counted in ClinVar's aggregate classification.
Comment: This variant is classified as likely benign based on ACMG/AMP sequence variant interpretation guidelines (Richards et al. 2015 PMID: 25741868, with internal and published modifications).

NM_022828.5(YTHDC2):c.970T>C (p.Phe324Leu)

Gene: YTHDC2 (YTH N6-methyladenosine RNA binding protein C2; plus strand). Cytogenetic location: 5q22.2.
Variant type: single nucleotide variant.
Coding change: c.970T>C on transcript NM_022828.5 (MANE Select); coding-DNA position 970, T replaced by C.
Protein change: p.Phe324Leu; replaces phenylalanine 324 with leucine.
Molecular consequence: missense variant.
Genome position (GRCh38, 1-based): chr5:113,535,666, T>C. VCF-style: chr5-113535666-T-C. GRCh37 (hg19) VCF-style: chr5-112871363-T-C.
Other names: c.970T>C (NM_022828.3); c.484T>C, p.Phe162Leu (NM_001345975.2); c.70T>C, p.Phe24Leu (NM_001345976.2); short protein forms F162L, F24L, F324L.
Identifiers: ClinVar variation 3048472 (VCV003048472.3), dbSNP rs200293288, ClinGen allele CA3371649.